The following is an entry in ClinVar:

ClinVar aggregate classification (germline): Uncertain significance (1 of 4 stars; one submission).

Allele frequency attached by ClinVar (database versions not stated): ExAC 0.00002; ESP Exome Variant Server 0.00008.
gnomAD v4.1: 5 of 1,613,898 alleles (0.00031%); highest among the groups gnomAD compares: Non-Finnish European, 0.00042%; no homozygotes.

Submission:

Labcorp Genetics (formerly Invitae), Labcorp
Classification: Uncertain significance. Last evaluated: 2022-01-17. Review status: criteria provided, single submitter. Criteria: Invitae Variant Classification Sherloc (09022015). Collection method: clinical testing. Allele origin: germline.
Comment: This sequence change replaces glutamine, which is neutral and polar, with proline, which is neutral and non-polar, at codon 856 of the ELP1 protein (p.Gln856Pro). This variant is present in population databases (rs142186193, gnomAD 0.002%). This variant has not been reported in the literature in individuals affected with ELP1-related conditions. Algorithms developed to predict the effect of missense changes on protein structure and function are either unavailable or do not agree on the potential impact of this missense change (SIFT: "Deleterious"; PolyPhen-2: "Probably Damaging"; Align-GVGD: "Class C15"). In summary, the available evidence is currently insufficient to determine the role of this variant in disease. Therefore, it has been classified as a Variant of Uncertain Significance.

NM_003640.5(ELP1):c.2567A>C (p.Gln856Pro)

Gene: ELP1 (elongator acetyltransferase complex subunit 1; minus strand). Cytogenetic location: 9q31.3.
Variant type: single nucleotide variant.
Coding change: c.2567A>C on transcript NM_003640.5 (MANE Select); coding-DNA position 2567, A replaced by C.
Protein change: p.Gln856Pro; replaces glutamine 856 with proline.
Molecular consequence: missense variant.
Genome position (GRCh38, 1-based): chr9:108,896,973, T>G on the plus strand (A>C on the coding strand, the complement: ELP1 is on the minus strand). VCF-style: chr9-108896973-T-G. GRCh37 (hg19) VCF-style: chr9-111659253-T-G.
Other names: c.2225A>C, p.Gln742Pro (NM_001318360.2); c.1520A>C, p.Gln507Pro (NM_001330749.2); short protein forms Q856P, Q742P, Q507P.
Identifiers: ClinVar variation 1960459 (VCV001960459.2), dbSNP rs142186193, ClinGen allele CA5174603.